The following is an entry in ClinVar:

NM_001080414.4(CCDC88C):c.1885C>T (p.Arg629Trp)

Gene: CCDC88C (coiled-coil domain containing 88C; minus strand). Cytogenetic location: 14q32.11.
Variant type: single nucleotide variant.
Coding change: c.1885C>T on transcript NM_001080414.4 (MANE Select); coding-DNA position 1885, C replaced by T.
Protein change: p.Arg629Trp; replaces arginine 629 with tryptophan.
Molecular consequence: missense variant.
Genome position (GRCh38, 1-based): chr14:91,313,931, G>A on the plus strand (C>T on the coding strand, the complement: CCDC88C is on the minus strand). VCF-style: chr14-91313931-G-A. GRCh37 (hg19) VCF-style: chr14-91780275-G-A.
Other names: c.1885C>T (NM_001080414.3); short protein forms R629W.
Identifiers: ClinVar variation 1678424 (VCV001678424.5), dbSNP rs373032669, ClinGen allele CA7309785.
Genomic context (GRCh38, chr14:91,313,931, plus strand): 5'-TGGCCAGCCTCCCGTTCTCCTCCTGGAGTCGCTGTAGCTCCCTCTCCAGCTTCTCTGCCC[G>A]CTCCCCCTTCTCCTTGGCCTGCTCCAAGTCCCTGTGCAGCTGCCGCTTCTCAAACTCCAA-3'
Protein context (NP_001073883.2, residues 619-639): DLEQAKEKGE[Arg629Trp]AEKLERELQR

ClinVar aggregate classification (germline): Uncertain significance. Review status: criteria provided, multiple submitters, no conflicts (2 of 4 stars). 3 submissions from 3 submitters: Uncertain significance (3). Last evaluated 2023-02-01.

Conditions:
Inborn genetic diseases. Identifiers: MedGen C0950123, MeSH D030342.

Allele frequency attached by ClinVar (database versions not stated): gnomAD exomes 0.00008 and 0.00011; gnomAD 0.00011 and 0.00012; 1000 Genomes Project 0.00040; 1000 Genomes Project 30x 0.00047.
gnomAD v4.1: 177 of 1,612,652 alleles (0.011%); highest among the groups gnomAD compares: Admixed American, 0.038%; no homozygotes.

Submissions (3):

Ambry Genetics
Classification: Uncertain significance for Inborn genetic diseases. Last evaluated: 2023-02-01. Review status: criteria provided, single submitter. Criteria: Ambry Variant Classification Scheme 2023. Collection method: clinical testing. Allele origin: germline.

Labcorp Genetics (formerly Invitae), Labcorp
Classification: Uncertain significance. Last evaluated: 2022-05-12. Review status: criteria provided, single submitter. Criteria: Invitae Variant Classification Sherloc (09022015). Collection method: clinical testing. Allele origin: germline.
Comment: This sequence change replaces arginine, which is basic and polar, with tryptophan, which is neutral and slightly polar, at codon 629 of the CCDC88C protein (p.Arg629Trp). This variant is present in population databases (rs373032669, gnomAD 0.02%). This variant has not been reported in the literature in individuals affected with CCDC88C-related conditions. Algorithms developed to predict the effect of missense changes on protein structure and function are either unavailable or do not agree on the potential impact of this missense change (SIFT: "Deleterious"; PolyPhen-2: "Possibly Damaging"; Align-GVGD: "Class C0"). In summary, the available evidence is currently insufficient to determine the role of this variant in disease. Therefore, it has been classified as a Variant of Uncertain Significance.

AiLife Diagnostics
Classification: Uncertain significance. Last evaluated: 2021-06-07. Review status: criteria provided, single submitter. Criteria: ACMG Guidelines, 2015. Collection method: clinical testing. Allele origin: germline. Affected: yes. Observed: 1 variant allele.